The following is an entry in ClinVar:

ClinVar aggregate classification (germline): Pathogenic/Likely pathogenic. Review status: criteria provided, multiple submitters, no conflicts (2 of 4 stars). 3 submissions from 3 submitters: Pathogenic (1); Likely pathogenic (2). Last evaluated 2025-06-19.

Conditions:
Propionic acidemia (PROP). Also called: KETOTIC HYPERGLYCINEMIA; GLYCINEMIA, KETOTIC; HYPERGLYCINEMIA WITH KETOACIDOSIS AND LEUKOPENIA. Identifiers: Orphanet 35, MedGen C0268579, MONDO:0011628, OMIM 606054, HP:0003571.

Submissions (3):

Labcorp Genetics (formerly Invitae), Labcorp
Classification: Pathogenic for Propionic acidemia. Last evaluated: 2025-06-19. Review status: criteria provided, single submitter. Criteria: Invitae Variant Classification Sherloc (09022015). Collection method: clinical testing. Allele origin: germline.
Comment: This sequence change replaces aspartic acid, which is acidic and polar, with glutamic acid, which is acidic and polar, at codon 382 of the PCCB protein (p.Asp382Glu). This variant is not present in population databases (gnomAD no frequency). This missense change has been observed in individual(s) with propionic acidemia (PMID: 30274917). In at least one individual the data is consistent with being in trans (on the opposite chromosome) from a pathogenic variant. ClinVar contains an entry for this variant (Variation ID: 1072009). Invitae Evidence Modeling of protein sequence and biophysical properties (such as structural, functional, and spatial information, amino acid conservation, physicochemical variation, residue mobility, and thermodynamic stability) indicates that this missense variant is expected to disrupt PCCB protein function with a positive predictive value of 80%. Experimental studies have shown that this missense change affects PCCB function (PMID: 30274917). For these reasons, this variant has been classified as Pathogenic.

Natera, Inc.
Classification: Likely pathogenic for Propionic acidemia. Last evaluated: 2024-12-21. Review status: criteria provided, single submitter. Criteria: Natera Variant Classification Schema (03/2026). Collection method: clinical testing. Allele origin: germline.
Comment: The c.1146T>A variant in PCCB is a missense variant predicted to cause substitution of aspartic acid to glutamic acid at amino acid 382. This variant is rare in the general population with a frequency below the threshold expected for the associated phenotype(s). This variant has been observed in one or more individuals affected with the associated recessive disease, as either homozygous or compound heterozygous with a second variant (PMID: 30274917). Functional studies show that this variant may disrupt protein function (PMID: 30274917). Computational prediction algorithms indicate this variant is likely to affect gene or protein function. Given the available evidence, this variant is classified as Likely Pathogenic.

Women's Health and Genetics/Laboratory Corporation of America, LabCorp
Classification: Likely pathogenic for Propionic acidemia. Last evaluated: 2023-08-01. Review status: criteria provided, single submitter. Criteria: LabCorp Variant Classification Summary - May 2015. Collection method: clinical testing. Allele origin: germline.
Comment: Variant summary: PCCB c.1146T>A (p.Asp382Glu) results in a conservative amino acid change located in the Acetyl-coenzyme A carboxyltransferase, C-terminal domain (IPR011763) of the encoded protein sequence. Four of five in-silico tools predict a damaging effect of the variant on protein function. The variant was absent in 251398 control chromosomes (gnomAD). c.1146T>A has been reported in the literature in an individual affected with Propionic Acidemia (example: Rivera-Barahona_2018). At least one publication reports experimental evidence evaluating an impact on protein function. The most pronounced variant effect results in <10% of normal activity (Rivera-Barahona_2018). The following publication has been ascertained in the context of this evaluation (PMID: 30274917). One submitter has cited clinical-significance assessments for this variant to ClinVar after 2014 and has classified the variant as pathogenic. Based on the evidence outlined above, the variant was classified as likely pathogenic.

Literature cited by the submitters: PubMed 30274917 (cited by 3 submitters).

NM_000532.5(PCCB):c.1146T>A (p.Asp382Glu)

Gene: PCCB (propionyl-CoA carboxylase subunit beta; plus strand). Cytogenetic location: 3q22.3.
Variant type: single nucleotide variant.
Coding change: c.1146T>A on transcript NM_000532.5 (MANE Select); coding-DNA position 1146, T replaced by A.
Protein change: p.Asp382Glu; replaces aspartic acid 382 with glutamic acid.
Molecular consequence: missense variant.
Genome position (GRCh38, 1-based): chr3:136,326,858, T>A. VCF-style: chr3-136326858-T-A. GRCh37 (hg19) VCF-style: chr3-136045700-T-A.
Other names: c.1206T>A, p.Asp402Glu (NM_001178014.2); c.1146T>A (NM_000532.4); short protein forms D382E, D402E.
Identifiers: ClinVar variation 1072009 (VCV001072009.10), dbSNP rs2108237867, ClinGen allele CA354648616.